The following is an entry in ClinVar:

NM_004208.4(AIFM1):c.469G>T (p.Ala157Ser)

Genes: AIFM1 (apoptosis inducing factor mitochondria associated 1; minus strand), RAB33A (RAB33A, member RAS oncogene family; plus strand). Cytogenetic location: Xq26.1.
Variant type: single nucleotide variant.
Coding change: c.469G>T on transcript NM_004208.4 (MANE Select); coding-DNA position 469, G replaced by T.
Protein change: p.Ala157Ser; replaces alanine 157 with serine.
Molecular consequence: missense variant. On other transcripts: non-coding transcript variant (1).
Genome position (GRCh38, 1-based): chrX:130,147,757, C>A on the plus strand (G>T on the coding strand, the complement: AIFM1 is on the minus strand). VCF-style: chrX-130147757-C-A. GRCh37 (hg19) VCF-style: chrX-129281732-C-A.
Other names: c.469G>T, p.Ala157Ser (NM_001130847.4); c.457G>T, p.Ala153Ser (NM_145812.3); short protein forms A157S, A153S.
Identifiers: ClinVar variation 432694 (VCV000432694.2), dbSNP rs1556277188, ClinGen allele CA414588706.

ClinVar aggregate classification (germline): Likely pathogenic (1 of 4 stars; one submission).

Submission:

GeneDx
Classification: Likely pathogenic. Last evaluated: 2017-06-07. Review status: criteria provided, single submitter. Criteria: GeneDx Variant Classification (06012015). Collection method: clinical testing. Allele origin: germline. Affected: yes.
Comment: The A157S variant in the AIFM1 gene has not been reported previously as a pathogenic variant, nor as a benign variant, to our knowledge. The A157S variant is not observed in large population cohorts (Lek et al., 2016; 1000 Genomes Consortium et al., 2015; Exome Variant Server). The A157S variant is a non-conservative amino acid substitution, which is likely to impact secondary protein structure as these residues differ in polarity, charge, size and/or other properties. This substitution occurs at a position that is conserved across species. In silico analysis predicts this variant is probably damaging to the protein structure/function. We interpret A157S as a likely pathogenic variant.